The following is an entry in ClinVar:

NM_004370.6(COL12A1):c.3928G>C (p.Gly1310Arg)

Gene: COL12A1 (collagen type XII alpha 1 chain; minus strand). Cytogenetic location: 6q13.
Variant type: single nucleotide variant.
Coding change: c.3928G>C on transcript NM_004370.6 (MANE Select); coding-DNA position 3928, G replaced by C.
Protein change: p.Gly1310Arg; replaces glycine 1310 with arginine.
Molecular consequence: missense variant.
Genome position (GRCh38, 1-based): chr6:75,151,939, C>G on the plus strand (G>C on the coding strand, the complement: COL12A1 is on the minus strand). VCF-style: chr6-75151939-C-G. GRCh37 (hg19) VCF-style: chr6-75861655-C-G.
Other names: c.436G>C, p.Gly146Arg (NM_080645.3); short protein forms G1310R, G146R.
Identifiers: ClinVar variation 577579 (VCV000577579.9), dbSNP rs1260669878, ClinGen allele CA364748039.

ClinVar aggregate classification (germline): Uncertain significance (1 of 4 stars; one submission).

Conditions:
Ullrich congenital muscular dystrophy 2 (UCMD2). Identifiers: Orphanet 75840, MedGen C4225314, MONDO:0014654, OMIM 616470.
Bethlem myopathy 2 (BTHLM2). Identifiers: Orphanet 536516, Orphanet 610, MedGen C4225313, MONDO:0034022, OMIM 616471.

Submission:

Labcorp Genetics (formerly Invitae), Labcorp
Classification: Uncertain significance for Bethlem myopathy 2; Ullrich congenital muscular dystrophy 2. Last evaluated: 2018-04-13. Review status: criteria provided, single submitter. Criteria: Invitae Variant Classification Sherloc (09022015). Collection method: clinical testing. Allele origin: germline.
Comment: This variant has not been reported in the literature in individuals with COL12A1-related disease. This sequence change replaces glycine with arginine at codon 1310 of the COL12A1 protein (p.Gly1310Arg). The glycine residue is highly conserved and there is a moderate physicochemical difference between glycine and arginine. This variant is not present in population databases (ExAC no frequency). Algorithms developed to predict the effect of missense changes on protein structure and function do not agree on the potential impact of this missense change (SIFT: "Deleterious"; PolyPhen-2: "Probably Damaging"; Align-GVGD: "Class C0"). In summary, the available evidence is currently insufficient to determine the role of this variant in disease. Therefore, it has been classified as a Variant of Uncertain Significance.